The following is an entry in ClinVar:

NM_000051.4(ATM):c.6573-17T>C

Genes: ATM (ATM serine/threonine kinase; plus strand), C11orf65 (chromosome 11 open reading frame 65; minus strand). Cytogenetic location: 11q22.3.
Variant type: single nucleotide variant.
Coding change: c.6573-17T>C on transcript NM_000051.4 (MANE Select); 17 bases into the intron before coding-DNA position 6573, T replaced by C.
Molecular consequence: intron variant.
Genome position (GRCh38, 1-based): chr11:108,325,293, T>C. VCF-style: chr11-108325293-T-C. GRCh37 (hg19) VCF-style: chr11-108196020-T-C.
Other names: c.6573-17T>C (NM_001351834.2); c.641-16222A>G (NM_001330368.2); c.*38+9927A>G (NM_001351110.2).
Identifiers: ClinVar variation 3254160 (VCV003254160.1), dbSNP rs2136305559.

ClinVar aggregate classification (germline): Likely benign (1 of 4 stars; one submission).

Conditions:
Familial cancer of breast. Also called: hereditary breast carcinoma; BREAST CANCER, FAMILIAL; Hereditary breast cancer. Identifiers: Orphanet 227535, MedGen C0346153, MONDO:0016419, OMIM 114480. Disease mechanism: loss of function.

Submission:

Myriad Genetics, Inc.
Classification: Likely benign for Familial cancer of breast. Last evaluated: 2024-06-07. Review status: criteria provided, single submitter. Criteria: Myriad Autosomal Dominant, Autosomal Recessive and X-Linked Classification Criteria (2023). Collection method: clinical testing. Allele origin: unknown.
Comment: This variant is considered likely benign. This variant is intronic and is not expected to impact mRNA splicing.